The following is an entry in ClinVar:

NM_005243.4(EWSR1):c.210T>C (p.Tyr70=)

Gene: EWSR1 (EWS RNA binding protein 1; plus strand). Cytogenetic location: 22q12.2.
Variant type: single nucleotide variant.
Coding change: c.210T>C on transcript NM_005243.4 (MANE Select); coding-DNA position 210, T replaced by C.
Protein change: p.Tyr70=; no amino-acid change (tyrosine 70 retained).
Molecular consequence: synonymous variant.
Genome position (GRCh38, 1-based): chr22:29,273,848, T>C. VCF-style: chr22-29273848-T-C. GRCh37 (hg19) VCF-style: chr22-29669837-T-C.
Other names: c.210T>C, p.Tyr70= (NM_001163285.2, NM_001163286.2, NM_001163287.2 and 1 more transcripts).
Identifiers: ClinVar variation 2653041 (VCV002653041.24), dbSNP rs770326364, ClinGen allele CA10171341.

ClinVar aggregate classification (germline): Likely benign (1 of 4 stars; one submission).

Allele frequency attached by ClinVar (database versions not stated): ExAC 0.00002; gnomAD 0.00002; TOPMed 0.00003; gnomAD exomes 0.00004.
gnomAD v4.1: 60 of 1,613,944 alleles (0.0037%); highest among the groups gnomAD compares: Non-Finnish European, 0.0049%; no homozygotes.

Submission:

CeGaT Center for Human Genetics Tuebingen
Classification: Likely benign. Last evaluated: 2023-03-01. Review status: criteria provided, single submitter. Criteria: CeGaT Center For Human Genetics Tuebingen Variant Classification Criteria Version 2. Collection method: clinical testing. Allele origin: germline. Affected: yes. Observed: 1 variant allele.
Comment: EWSR1: BP4, BP7